The following is an entry in ClinVar:

ClinVar aggregate classification (germline): Uncertain significance (1 of 4 stars; one submission).

Conditions:
Idiopathic generalized epilepsy. Also called: Generalised epilepsy; EIG. Identifiers: MedGen C0270850, MONDO:0005579, OMIM 600669.
Hyperaldosteronism, familial, type IV (HALD4). Also called: FH IV; ALDOSTERONISM, PRIMARY, AND HYPERTENSION. Identifiers: Orphanet 642671, MedGen C4310756, MONDO:0014875, OMIM 617027.

Submission:

Labcorp Genetics (formerly Invitae), Labcorp
Classification: Uncertain significance for Idiopathic generalized epilepsy; Hyperaldosteronism, familial, type IV. Last evaluated: 2025-04-21. Review status: criteria provided, single submitter. Criteria: Invitae Variant Classification Sherloc (09022015). Collection method: clinical testing. Allele origin: germline.
Comment: This sequence change replaces alanine, which is neutral and non-polar, with valine, which is neutral and non-polar, at codon 1130 of the CACNA1H protein (p.Ala1130Val). This variant is not present in population databases (gnomAD no frequency). This variant has not been reported in the literature in individuals affected with CACNA1H-related conditions. ClinVar contains an entry for this variant (Variation ID: 2953814). Invitae Evidence Modeling of protein sequence and biophysical properties (such as structural, functional, and spatial information, amino acid conservation, physicochemical variation, residue mobility, and thermodynamic stability) indicates that this missense variant is not expected to disrupt CACNA1H protein function with a negative predictive value of 80%. In summary, the available evidence is currently insufficient to determine the role of this variant in disease. Therefore, it has been classified as a Variant of Uncertain Significance.

NM_021098.3(CACNA1H):c.3389C>T (p.Ala1130Val)

Gene: CACNA1H (calcium voltage-gated channel subunit alpha1 H; plus strand). Cytogenetic location: 16p13.3.
Variant type: single nucleotide variant.
Coding change: c.3389C>T on transcript NM_021098.3 (MANE Select); coding-DNA position 3389, C replaced by T.
Protein change: p.Ala1130Val; replaces alanine 1130 with valine.
Molecular consequence: missense variant.
Genome position (GRCh38, 1-based): chr16:1,209,057, C>T. VCF-style: chr16-1209057-C-T. GRCh37 (hg19) VCF-style: chr16-1259057-C-T.
Other names: c.3389C>T, p.Ala1130Val (NM_001005407.2); short protein forms A1130V.
Identifiers: ClinVar variation 2953814 (VCV002953814.3), dbSNP rs2548689778, ClinGen allele CA394173255.